The following is an entry in ClinVar:

ClinVar aggregate classification (germline): Pathogenic. Review status: criteria provided, multiple submitters, no conflicts (2 of 4 stars). 3 submissions from 3 submitters: Pathogenic (3). Last evaluated 2024-10-04.

Conditions:
Multiple congenital exostosis (EXT). Also called: MULTIPLE CARTILAGINOUS EXOSTOSES; Multiple exostoses; Hereditary multiple exostoses; Hereditary multiple exostosis; Hereditary multiple osteochondromas; Multiple osteochondromas. Identifiers: Orphanet 321, MedGen C0015306, MONDO:0005508, HP:0002762.
EXT1-related disorders.
Exostoses. Also called: Exostosis. Identifiers: MedGen C1442903, MONDO:0002181, HP:0100777.

Submissions (3):

Dubai Health Genomic Medicine Center, Dubai Health
Classification: Pathogenic for Exostoses. Last evaluated: 2024-10-04. Review status: criteria provided, single submitter. Criteria: ACMG Guidelines, 2015. Collection method: research. Allele origin: germline. Affected: yes.
Comment: PVS1,PM2,PS4

Labcorp Genetics (formerly Invitae), Labcorp
Classification: Pathogenic for Multiple congenital exostosis. Last evaluated: 2019-12-02. Review status: criteria provided, single submitter. Criteria: Invitae Variant Classification Sherloc (09022015). Collection method: clinical testing. Allele origin: germline.
Comment: For these reasons, this variant has been classified as Pathogenic. Donor and acceptor splice site variants typically lead to a loss of protein function (PMID: 16199547), and loss-of-function variants in EXT1 are known to be pathogenic (PMID: 10679937, 11391482, 19810120). Algorithms developed to predict the effect of sequence changes on RNA splicing suggest that this variant may disrupt the consensus splice site, but this prediction has not been confirmed by published transcriptional studies. This variant has been observed in individual(s) with multiple osteochondromas (PMID: 18165274). This variant is not present in population databases (ExAC no frequency). This sequence change affects a donor splice site in intron 8 of the EXT1 gene. It is expected to disrupt RNA splicing and likely results in an absent or disrupted protein product.

Blueprint Genetics
Classification: Pathogenic for EXT1-related disorders. Last evaluated: 2019-07-22. Review status: criteria provided, single submitter. Criteria: ACMG Guidelines, 2015. Collection method: clinical testing. Allele origin: germline. Affected: yes. Observed: 1 variant allele.

Literature cited by the submitters: PubMed 16199547 (cited by Labcorp Genetics (formerly Invitae), Labcorp); PubMed 10679937 (cited by Labcorp Genetics (formerly Invitae), Labcorp); PubMed 11391482 (cited by Labcorp Genetics (formerly Invitae), Labcorp); PubMed 19810120 (cited by Labcorp Genetics (formerly Invitae), Labcorp); PubMed 18165274 (cited by Labcorp Genetics (formerly Invitae), Labcorp).

NM_000127.3(EXT1):c.1722+1G>T

Gene: EXT1 (exostosin glycosyltransferase 1; minus strand). Cytogenetic location: 8q24.11.
Variant type: single nucleotide variant.
Coding change: c.1722+1G>T on transcript NM_000127.3 (MANE Select); the canonical splice donor site of the intron after coding-DNA position 1722, G replaced by T.
Molecular consequence: splice donor variant.
Genome position (GRCh38, 1-based): chr8:117,812,871, C>A on the plus strand (G>T on the coding strand, the complement: EXT1 is on the minus strand). VCF-style: chr8-117812871-C-A. GRCh37 (hg19) VCF-style: chr8-118825110-C-A.
Identifiers: ClinVar variation 863192 (VCV000863192.12), dbSNP rs1823350857, ClinGen allele CA371880784.